The following is an entry in ClinVar:

ClinVar aggregate classification (germline): Uncertain significance. Review status: criteria provided, multiple submitters, no conflicts (2 of 4 stars). 3 submissions from 3 submitters: Uncertain significance (3). Last evaluated 2025-05-05.

Conditions:
Inborn genetic diseases. Identifiers: MedGen C0950123, MeSH D030342.
ACAD9-related disorder. Also called: ACAD9-related condition.

Allele frequency attached by ClinVar (database versions not stated): gnomAD exomes 0.00007 and 0.00005; gnomAD 0.00008 and 0.00009; TOPMed 0.00017; ESP Exome Variant Server 0.00023; ExAC 0.00007.
gnomAD v4.1: 118 of 1,614,026 alleles (0.0073%); highest among the groups gnomAD compares: Admixed American, 0.013%; no homozygotes.

Submissions (3):

PreventionGenetics, part of Exact Sciences
Classification: Uncertain significance for ACAD9-related condition. Last evaluated: 2025-05-05. Review status: criteria provided, single submitter. Criteria: ACMG Guidelines, 2015. Collection method: clinical testing. Allele origin: germline.
Comment: The ACAD9 c.902A>G variant is predicted to result in the amino acid substitution p.Asn301Ser. To our knowledge, this variant has not been reported in the literature. This variant is reported in 0.014% of alleles in individuals of Latino descent in gnomAD. At this time, the clinical significance of this variant is uncertain due to the absence of conclusive functional and genetic evidence.

Labcorp Genetics (formerly Invitae), Labcorp
Classification: Uncertain significance. Last evaluated: 2024-11-05. Review status: criteria provided, single submitter. Criteria: Invitae Variant Classification Sherloc (09022015). Collection method: clinical testing. Allele origin: germline.
Comment: This sequence change replaces asparagine, which is neutral and polar, with serine, which is neutral and polar, at codon 301 of the ACAD9 protein (p.Asn301Ser). This variant is present in population databases (rs370236597, gnomAD 0.01%). This variant has not been reported in the literature in individuals affected with ACAD9-related conditions. ClinVar contains an entry for this variant (Variation ID: 1420898). Invitae Evidence Modeling of protein sequence and biophysical properties (such as structural, functional, and spatial information, amino acid conservation, physicochemical variation, residue mobility, and thermodynamic stability) indicates that this missense variant is expected to disrupt ACAD9 protein function with a positive predictive value of 80%. In summary, the available evidence is currently insufficient to determine the role of this variant in disease. Therefore, it has been classified as a Variant of Uncertain Significance.

Ambry Genetics
Classification: Uncertain significance for Inborn genetic diseases. Last evaluated: 2024-08-04. Review status: criteria provided, single submitter. Criteria: Ambry Variant Classification Scheme 2023. Collection method: clinical testing. Allele origin: germline.

NM_014049.5(ACAD9):c.902A>G (p.Asn301Ser)

Genes: ACAD9 (acyl-CoA dehydrogenase family member 9; plus strand), LOC126806807 (BRD4-independent group 4 enhancer GRCh37_chr3:128620937-128622136; plus strand). Cytogenetic location: 3q21.3.
Variant type: single nucleotide variant.
Coding change: c.902A>G on transcript NM_014049.5 (MANE Select); coding-DNA position 902, A replaced by G.
Protein change: p.Asn301Ser; replaces asparagine 301 with serine.
Molecular consequence: missense variant. On other transcripts: non-coding transcript variant (1).
Genome position (GRCh38, 1-based): chr3:128,902,572, A>G. VCF-style: chr3-128902572-A-G. GRCh37 (hg19) VCF-style: chr3-128621415-A-G.
Other names: c.902A>G (NM_014049.4); short protein forms N301S.
Identifiers: ClinVar variation 1420898 (VCV001420898.6), dbSNP rs370236597, ClinGen allele CA2601338.